The following is an entry in ClinVar:

NM_007194.4(CHEK2):c.345dup (p.Gly116fs)

Gene: CHEK2 (checkpoint kinase 2; minus strand). Cytogenetic location: 22q12.1.
Variant type: Duplication.
Coding change: c.345dup on transcript NM_007194.4 (MANE Select); coding-DNA position 345, one base duplicated (T; older notation c.345dupT).
Protein change: p.Gly116fs; shifts the reading frame from glycine 116.
Molecular consequence: frameshift variant.
Genome position (GRCh38, 1-based): chr22:28,725,342, A duplicated on the plus strand (T on the coding strand, the reverse complement: CHEK2 is on the minus strand); the first of 3 consecutive A bases (chr22:28,725,342-28,725,344); duplicating any one gives the same sequence. VCF-style (leftmost placement, unchanged base first): chr22-28725341-C-CA. GRCh37 (hg19) VCF-style: chr22-29121329-C-CA.
Other names: c.472dup, p.Gly159Trpfs (NM_001005735.3); c.-435dup (NM_001257387.3); c.343dup, p.Gly116Trpfs (NM_001349956.3, NM_145862.3); short protein forms G116fs, G159fs.
Identifiers: ClinVar variation 4071412 (VCV004071412.1).

ClinVar aggregate classification (germline): Pathogenic (1 of 4 stars; one submission).

Conditions:
Familial cancer of breast. Also called: hereditary breast carcinoma; BREAST CANCER, FAMILIAL; Hereditary breast cancer. Identifiers: Orphanet 227535, MedGen C0346153, MONDO:0016419, OMIM 114480. Disease mechanism: loss of function.

Submission:

Myriad Genetics, Inc.
Classification: Pathogenic for Familial cancer of breast. Last evaluated: 2025-06-27. Review status: criteria provided, single submitter. Criteria: Myriad Autosomal Dominant, Autosomal Recessive and X-Linked Classification Criteria (2023). Collection method: clinical testing. Allele origin: unknown.
Comment: This variant is considered pathogenic. This variant creates a frameshift predicted to result in premature protein truncation.